The following is an entry in ClinVar:

ClinVar aggregate classification (germline): Uncertain significance. Review status: criteria provided, multiple submitters, no conflicts (2 of 4 stars). 4 submissions from 4 submitters: Uncertain significance (4). Last evaluated 2025-04-08.

Conditions:
Cone-rod dystrophy 20 (CORD20). Identifiers: Orphanet 1872, MedGen C4014856, MONDO:0014427, OMIM 615973.
Inborn genetic diseases. Identifiers: MedGen C0950123, MeSH D030342.

Allele frequency attached by ClinVar (database versions not stated): TOPMed 0.00004; ESP Exome Variant Server 0.00008.
gnomAD v4.1: 33 of 1,607,084 alleles (0.0021%); highest among the groups gnomAD compares: African/African-American, 0.0027%; no homozygotes.

Submissions (4):

Labcorp Genetics (formerly Invitae), Labcorp
Classification: Uncertain significance. Last evaluated: 2025-04-08. Review status: criteria provided, single submitter. Criteria: Invitae Variant Classification Sherloc (09022015). Collection method: clinical testing. Allele origin: germline.
Comment: This sequence change replaces serine, which is neutral and polar, with leucine, which is neutral and non-polar, at codon 239 of the POC1B protein (p.Ser239Leu). This variant is present in population databases (rs375108937, gnomAD 0.005%). This variant has not been reported in the literature in individuals affected with POC1B-related conditions. ClinVar contains an entry for this variant (Variation ID: 1479615). Invitae Evidence Modeling of protein sequence and biophysical properties (such as structural, functional, and spatial information, amino acid conservation, physicochemical variation, residue mobility, and thermodynamic stability) indicates that this missense variant is expected to disrupt POC1B protein function with a positive predictive value of 80%. In summary, the available evidence is currently insufficient to determine the role of this variant in disease. Therefore, it has been classified as a Variant of Uncertain Significance.

Blueprint Genetics
Classification: Uncertain significance. Last evaluated: 2024-08-14. Review status: criteria provided, single submitter. Criteria: ACMG Guidelines, 2015. Collection method: clinical testing. Allele origin: germline.

Fulgent Genetics
Classification: Uncertain significance for Cone-rod dystrophy 20. Last evaluated: 2024-03-14. Review status: criteria provided, single submitter. Criteria: ACMG Guidelines, 2015. Collection method: clinical testing. Allele origin: germline.

Ambry Genetics
Classification: Uncertain significance for Inborn genetic diseases. Last evaluated: 2021-10-29. Review status: criteria provided, single submitter. Criteria: Ambry Variant Classification Scheme 2023. Collection method: clinical testing. Allele origin: germline.

NM_172240.3(POC1B):c.716C>T (p.Ser239Leu)

Genes: POC1B (POC1 centriolar protein B; minus strand), POC1B-DUSP6 (POC1B-DUSP6 readthrough; minus strand). Cytogenetic location: 12q21.33.
Variant type: single nucleotide variant.
Coding change: c.716C>T on transcript NM_172240.3 (MANE Select); coding-DNA position 716, C replaced by T.
Protein change: p.Ser239Leu; replaces serine 239 with leucine.
Molecular consequence: missense variant. On other transcripts: non-coding transcript variant (2).
Genome position (GRCh38, 1-based): chr12:89,470,455, G>A on the plus strand (C>T on the coding strand, the complement: POC1B is on the minus strand). VCF-style: chr12-89470455-G-A. GRCh37 (hg19) VCF-style: chr12-89864232-G-A.
Other names: c.590C>T, p.Ser197Leu (NM_001199777.2); c.716C>T (NM_172240.2); short protein forms S197L, S239L.
Identifiers: ClinVar variation 1479615 (VCV001479615.9), dbSNP rs375108937, ClinGen allele CA6714417.